The following is an entry in ClinVar:

NM_000057.4(BLM):c.2849G>A (p.Gly950Glu)

Gene: BLM (BLM RecQ like helicase; plus strand). Cytogenetic location: 15q26.1.
Variant type: single nucleotide variant.
Coding change: c.2849G>A on transcript NM_000057.4 (MANE Select); coding-DNA position 2849, G replaced by A.
Protein change: p.Gly950Glu; replaces glycine 950 with glutamic acid.
Molecular consequence: missense variant.
Genome position (GRCh38, 1-based): chr15:90,790,674, G>A. VCF-style: chr15-90790674-G-A. GRCh37 (hg19) VCF-style: chr15-91333904-G-A.
Other names: c.2849G>A, p.Gly950Glu (NM_001287246.2, NM_001287247.2); c.1724G>A, p.Gly575Glu (NM_001287248.2); short protein forms G950E, G575E.
Identifiers: ClinVar variation 1796801 (VCV001796801.6), dbSNP rs575498961, ClinGen allele CA274764572.

ClinVar aggregate classification (germline): Uncertain significance. Review status: criteria provided, multiple submitters, no conflicts (2 of 4 stars). 2 submissions from 2 submitters: Uncertain significance (2). Last evaluated 2025-10-19.

Conditions:
Hereditary cancer-predisposing syndrome. Also called: Tumor predisposition; Hereditary Cancer Syndrome; Neoplastic Syndromes, Hereditary; Hereditary neoplastic syndrome. Identifiers: Orphanet 140162, MedGen C0027672, MeSH D009386, MONDO:0015356.
Bloom syndrome (BLM). Also called: Bloom-Torre-Machacek syndrome. Identifiers: Orphanet 125, MedGen C0005859, MONDO:0008876, OMIM 210900.

Allele frequency attached by ClinVar (database versions not stated): 1000 Genomes Project 30x 0.00016; 1000 Genomes Project 0.00020.

Submissions (2):

Ambry Genetics
Classification: Uncertain significance for Hereditary cancer-predisposing syndrome. Last evaluated: 2025-10-19. Review status: criteria provided, single submitter. Criteria: Ambry Variant Classification Scheme 2023. Collection method: clinical testing. Allele origin: germline.
Comment: The p.G950E variant (also known as c.2849G>A), located in coding exon 14 of the BLM gene, results from a G to A substitution at nucleotide position 2849. The glycine at codon 950 is replaced by glutamic acid, an amino acid with similar properties. This amino acid position is conserved. In addition, this alteration is predicted to be deleterious by in silico analysis. Since supporting evidence is limited at this time, the clinical significance of this alteration remains unclear.

Labcorp Genetics (formerly Invitae), Labcorp
Classification: Uncertain significance for Bloom syndrome. Last evaluated: 2025-07-06. Review status: criteria provided, single submitter. Criteria: Invitae Variant Classification Sherloc (09022015). Collection method: clinical testing. Allele origin: germline.
Comment: This sequence change replaces glycine, which is neutral and non-polar, with glutamic acid, which is acidic and polar, at codon 950 of the BLM protein (p.Gly950Glu). This variant is not present in population databases (gnomAD no frequency). This variant has not been reported in the literature in individuals affected with BLM-related conditions. ClinVar contains an entry for this variant (Variation ID: 1796801). Invitae Evidence Modeling of protein sequence and biophysical properties (such as structural, functional, and spatial information, amino acid conservation, physicochemical variation, residue mobility, and thermodynamic stability) indicates that this missense variant is expected to disrupt BLM protein function with a positive predictive value of 80%. In summary, the available evidence is currently insufficient to determine the role of this variant in disease. Therefore, it has been classified as a Variant of Uncertain Significance.